The following is an entry in ClinVar:

NM_002069.6(GNAI1):c.323_324del (p.Phe108fs)

Gene: GNAI1 (G protein subunit alpha i1; plus strand). Cytogenetic location: 7q21.11.
Variant type: Deletion.
Coding change: c.323_324del on transcript NM_002069.6 (MANE Select); coding-DNA positions 323 to 324, 2 bases deleted (TT; older notation c.323_324delTT).
Protein change: p.Phe108fs; shifts the reading frame from phenylalanine 108.
Molecular consequence: frameshift variant.
Genome position (GRCh38, 1-based): chr7:80,199,244-80,199,245, TT deleted; deleting any 2 consecutive bases within chr7:80,199,243-80,199,245 gives the same sequence; the c. name uses the placement nearest the transcript's 3' end. VCF-style (leftmost placement, unchanged base first): chr7-80199242-CTT-C. GRCh37 (hg19) VCF-style: chr7-79828558-CTT-C.
Other names: c.167_168del, p.Phe56fs (NM_001256414.2); short protein forms F108fs, F56fs.
Identifiers: ClinVar variation 4072676 (VCV004072676.1).

ClinVar aggregate classification (germline): Uncertain significance (1 of 4 stars; one submission).

Submission:

GeneDx
Classification: Uncertain significance. Last evaluated: 2025-02-03. Review status: criteria provided, single submitter. Criteria: GeneDx Variant Classification Process June 2021. Collection method: clinical testing. Allele origin: germline. Affected: yes.
Comment: Not observed at significant frequency in large population cohorts (gnomAD); Frameshift variant predicted to result in protein truncation or nonsense mediated decay in a gene or region of a gene for which loss of function is not a well-established mechanism of disease; Has not been previously published as pathogenic or benign to our knowledge